The following is an entry in ClinVar:

ClinVar aggregate classification (germline): Uncertain significance (1 of 4 stars; one submission).

gnomAD v4.1: 1 of 1,613,938 alleles (0.000062%); highest among the groups gnomAD compares: Non-Finnish European, 0.000085%; no homozygotes.

Submission:

Mayo Clinic Laboratories, Mayo Clinic
Classification: Uncertain significance. Last evaluated: 2025-11-05. Review status: criteria provided, single submitter. Criteria: ACMG Guidelines, 2015. Collection method: clinical testing. Allele origin: germline. Observed: 1 variant allele.
Comment: PM2_supporting

NM_005559.4(LAMA1):c.4246A>G (p.Thr1416Ala)

Gene: LAMA1 (laminin subunit alpha 1; minus strand). Cytogenetic location: 18p11.31.
Variant type: single nucleotide variant.
Coding change: c.4246A>G on transcript NM_005559.4 (MANE Select); coding-DNA position 4246, A replaced by G.
Protein change: p.Thr1416Ala; replaces threonine 1416 with alanine.
Molecular consequence: missense variant.
Genome position (GRCh38, 1-based): chr18:7,007,153, T>C on the plus strand (A>G on the coding strand, the complement: LAMA1 is on the minus strand). VCF-style: chr18-7007153-T-C. GRCh37 (hg19) VCF-style: chr18-7007152-T-C.
Other names: p.Thr1416Ala; short protein forms T1416A.
Identifiers: ClinVar variation 4542246 (VCV004542246.1).